The following is an entry in ClinVar:

NM_000540.3(RYR1):c.6295_6351dup (p.Ser2099_Val2117dup)

Gene: RYR1 (ryanodine receptor 1; plus strand). Cytogenetic location: 19q13.2.
Variant type: Duplication.
Coding change: c.6295_6351dup on transcript NM_000540.3 (MANE Select); coding-DNA positions 6295 to 6351, 57 bases duplicated.
Protein change: p.Ser2099_Val2117dup.
Molecular consequence: inframe insertion.
Genome position (GRCh38, 1-based): chr19:38,494,372-38,494,428, 57 bases duplicated. GRCh37 (hg19): chr19:38,985,012-38,985,068.
Other names: c.6295_6351dup, p.Ser2099_Val2117dup (NM_001042723.2).
Identifiers: ClinVar variation 478252 (VCV000478252.2), dbSNP rs1555781547, ClinGen allele CA658658808.

ClinVar aggregate classification (germline): Uncertain significance (1 of 4 stars; one submission).

Conditions:
RYR1-related disorder. Also called: RYR1-related condition; RYR1-related disorders. Identifiers: MedGen CN239331.

Submission:

Labcorp Genetics (formerly Invitae), Labcorp
Classification: Uncertain significance for RYR1-related disorder. Last evaluated: 2017-05-09. Review status: criteria provided, single submitter. Criteria: Invitae Variant Classification Sherloc (09022015). Collection method: clinical testing. Allele origin: germline.
Comment: This sequence change inserts 57 nucleotides in exon 39 of the RYR1 mRNA (c.6295_6351dup). This leads to the duplication of 19 amino acid residues in the RYR1 protein (p.Ser2099_Val2117dup) but otherwise preserves the integrity of the reading frame. This variant is not present in population databases (ExAC no frequency) and has not been reported in the literature in individuals a with a RYR1-related disease. Experimental studies and prediction algorithms are not available for this variant, and the functional significance of the inserted amino acids is currently unknown. In summary, this is a novel in-frame duplication with uncertain impact on protein function. It has been classified as a Variant of Uncertain Significance.